The following is an entry in ClinVar:

NM_000601.6(HGF):c.1372C>T (p.Leu458Phe)

Gene: HGF (hepatocyte growth factor; minus strand). Cytogenetic location: 7q21.11.
Variant type: single nucleotide variant.
Coding change: c.1372C>T on transcript NM_000601.6 (MANE Select); coding-DNA position 1372, C replaced by T.
Protein change: p.Leu458Phe; replaces leucine 458 with phenylalanine.
Molecular consequence: missense variant.
Genome position (GRCh38, 1-based): chr7:81,717,265, G>A on the plus strand (C>T on the coding strand, the complement: HGF is on the minus strand). VCF-style: chr7-81717265-G-A. GRCh37 (hg19) VCF-style: chr7-81346581-G-A.
Other names: c.1357C>T, p.Leu453Phe (NM_001010932.3); short protein forms L453F, L458F.
Identifiers: ClinVar variation 2019225 (VCV002019225.4), dbSNP rs1449964973, ClinGen allele CA367873753.

ClinVar aggregate classification (germline): Uncertain significance (1 of 4 stars; one submission).

Submission:

Labcorp Genetics (formerly Invitae), Labcorp
Classification: Uncertain significance. Last evaluated: 2026-01-12. Review status: criteria provided, single submitter. Criteria: Invitae Variant Classification Sherloc (09022015). Collection method: clinical testing. Allele origin: germline.
Comment: This sequence change replaces leucine, which is neutral and non-polar, with phenylalanine, which is neutral and non-polar, at codon 458 of the HGF protein (p.Leu458Phe). This variant is not present in population databases (gnomAD no frequency). This variant has not been reported in the literature in individuals affected with HGF-related conditions. ClinVar contains an entry for this variant (Variation ID: 2019225). An algorithm developed to predict the effect of missense changes on protein structure and function (PolyPhen-2) suggests that this variant is likely to be tolerated. In summary, the available evidence is currently insufficient to determine the role of this variant in disease. Therefore, it has been classified as a Variant of Uncertain Significance.